The following is an entry in ClinVar:

ClinVar aggregate classification (germline): Conflicting classifications of pathogenicity. Review status: criteria provided, conflicting classifications (1 of 4 stars). 6 submissions from 6 submitters: Uncertain significance (1); Benign (2); Likely benign (3). Last evaluated 2025-12-01.

Conditions:
Cardiovascular phenotype. Identifiers: MedGen CN230736.
Telangiectasia, hereditary hemorrhagic, type 1 (HHT1). Also called: Osler Weber Rendu syndrome type 1; ENG-Related Hereditary Hemorrhagic Telangiectasia. Identifiers: Orphanet 774, MedGen C4551861, MONDO:0008535, OMIM 187300. Disease mechanism: loss of function.
Hereditary hemorrhagic telangiectasia (HHT). Also called: Osler hemorrhagic telangiectasia syndrome; ORW DISEASE; Osler Weber Rendu syndrome; OSLER-RENDU-WEBER DISEASE. Identifiers: Orphanet 774, MedGen C0039445, MONDO:0019180. Disease mechanism: loss of function.

Allele frequency attached by ClinVar (database versions not stated): gnomAD exomes 0.00014; gnomAD 0.00015 and 0.00017; TOPMed 0.00015; ExAC 0.00017.
gnomAD v4.1: 255 of 1,614,166 alleles (0.016%); highest among the groups gnomAD compares: Middle Eastern, 0.91%; 2 homozygotes.

Submissions (6):

CeGaT Center for Human Genetics Tuebingen
Classification: Likely benign. Last evaluated: 2025-12-01. Review status: criteria provided, single submitter. Criteria: CeGaT Center For Human Genetics Tuebingen Variant Classification Criteria Version 2. Collection method: clinical testing. Allele origin: germline. Affected: yes. Observed: 3 variant alleles.
Comment: ENG: BP4

ARUP Laboratories, Molecular Genetics and Genomics, ARUP Laboratories
Classification: Benign for Telangiectasia, hereditary hemorrhagic, type 1. Last evaluated: 2025-07-18. Review status: criteria provided, single submitter. Criteria: ARUP Molecular Germline Variant Investigation Process 2024. Collection method: clinical testing. Allele origin: germline.

Blueprint Genetics
Classification: Likely benign. Last evaluated: 2024-11-22. Review status: criteria provided, single submitter. Criteria: ACMG Guidelines, 2015. Collection method: clinical testing. Allele origin: germline.

Labcorp Genetics (formerly Invitae), Labcorp
Classification: Benign for Hereditary hemorrhagic telangiectasia. Last evaluated: 2022-06-20. Review status: criteria provided, single submitter. Criteria: Invitae Variant Classification Sherloc (09022015). Collection method: clinical testing. Allele origin: germline.

Ambry Genetics
Classification: Likely benign for Cardiovascular phenotype. Last evaluated: 2021-10-01. Review status: criteria provided, single submitter. Criteria: Ambry Variant Classification Scheme 2023. Collection method: clinical testing. Allele origin: germline.

Illumina Laboratory Services, Illumina
Classification: Uncertain significance for Telangiectasia, hereditary hemorrhagic, type 1. Last evaluated: 2018-01-12. Review status: criteria provided, single submitter. Criteria: ICSL Variant Classification Criteria 13 December 2019. Collection method: clinical testing. Allele origin: germline.

NM_001114753.3(ENG):c.322C>T (p.His108Tyr)

Gene: ENG (endoglin; minus strand). Cytogenetic location: 9q34.11.
Variant type: single nucleotide variant.
Coding change: c.322C>T on transcript NM_001114753.3 (MANE Select); coding-DNA position 322, C replaced by T.
Protein change: p.His108Tyr; replaces histidine 108 with tyrosine.
Molecular consequence: missense variant. On other transcripts: 5 prime UTR variant (1).
Genome position (GRCh38, 1-based): chr9:127,829,725, G>A on the plus strand (C>T on the coding strand, the complement: ENG is on the minus strand). VCF-style: chr9-127829725-G-A. GRCh37 (hg19) VCF-style: chr9-130592004-G-A.
Other names: c.322C>T, p.His108Tyr (NM_000118.4, NM_001406715.1); c.-225C>T (NM_001278138.2); c.322C>T (NM_001114753.1); short protein forms H108Y.
Identifiers: ClinVar variation 365094 (VCV000365094.49), dbSNP rs756897517, ClinGen allele CA5253160.
Genomic context (GRCh38, chr9:127,829,725, plus strand): 5'-GGGTTGGAGGGAACACACTCACGTAGGCCAAGTGCAGTGGGATTCCCAGGGCCTGGAGAT[G>A]CAGGAAGACACTGCTGTTTACACTGAGGACCAGAAGCACCTCTCGGGGCCAGGTGCCATT-3'
Protein context (NP_001108225.1, residues 98-118): VLSVNSSVFL[His108Tyr]LQALGIPLHL